The following is an entry in ClinVar:

ClinVar aggregate classification (germline): Uncertain significance (1 of 4 stars; one submission).

Submission:

Labcorp Genetics (formerly Invitae), Labcorp
Classification: Uncertain significance. Last evaluated: 2025-04-28. Review status: criteria provided, single submitter. Criteria: Invitae Variant Classification Sherloc (09022015). Collection method: clinical testing. Allele origin: germline.
Comment: This sequence change creates a premature translational stop signal (p.Gln305*) in the TBX15 gene. While this is not anticipated to result in nonsense mediated decay, it is expected to disrupt the last 192 amino acid(s) of the TBX15 protein. This variant is not present in population databases (gnomAD no frequency). This variant has not been reported in the literature in individuals affected with TBX15-related conditions. ClinVar contains an entry for this variant (Variation ID: 1494205). Experimental studies and prediction algorithms are not available or were not evaluated, and the functional significance of this variant is currently unknown. In summary, the available evidence is currently insufficient to determine the role of this variant in disease. Therefore, it has been classified as a Variant of Uncertain Significance.

NM_001330677.2(TBX15):c.1231C>T (p.Gln411Ter)

Gene: TBX15 (T-box transcription factor 15; minus strand). Cytogenetic location: 1p12.
Variant type: single nucleotide variant.
Coding change: c.1231C>T on transcript NM_001330677.2 (MANE Select); coding-DNA position 1231, C replaced by T.
Protein change: p.Gln411Ter; replaces glutamine 411 with a stop codon.
Molecular consequence: nonsense.
Genome position (GRCh38, 1-based): chr1:118,885,310, G>A on the plus strand (C>T on the coding strand, the complement: TBX15 is on the minus strand). VCF-style: chr1-118885310-G-A. GRCh37 (hg19) VCF-style: chr1-119427933-G-A.
Other names: c.913C>T, p.Gln305Ter (NM_152380.3); short protein forms Q411*, Q305*.
Identifiers: ClinVar variation 1494205 (VCV001494205.6), dbSNP rs2101423419, ClinGen allele CA341432962.